The following is an entry in ClinVar:

NM_000038.6(APC):c.4892G>A (p.Ser1631Asn)

Gene: APC (APC regulator of Wnt signaling pathway; plus strand). Cytogenetic location: 5q22.2.
Variant type: single nucleotide variant.
Coding change: c.4892G>A on transcript NM_000038.6 (MANE Select); coding-DNA position 4892, G replaced by A.
Protein change: p.Ser1631Asn; replaces serine 1631 with asparagine.
Molecular consequence: missense variant.
Genome position (GRCh38, 1-based): chr5:112,840,486, G>A. VCF-style: chr5-112840486-G-A. GRCh37 (hg19) VCF-style: chr5-112176183-G-A.
Other names: c.4892G>A, p.Ser1631Asn (NM_001127510.3, NM_001354895.2); c.4838G>A, p.Ser1613Asn (NM_001127511.3); c.4946G>A, p.Ser1649Asn (NM_001354896.2); c.4922G>A, p.Ser1641Asn (NM_001354897.2); c.4817G>A, p.Ser1606Asn (NM_001354898.2); c.4808G>A, p.Ser1603Asn (NM_001354899.2); c.4769G>A, p.Ser1590Asn (NM_001354900.2); c.4715G>A, p.Ser1572Asn (NM_001354901.2); and 5 more; short protein forms S1348N, S1471N, S1540N, S1603N, S1606N, S1613N, S1631N, S1590N.
Identifiers: ClinVar variation 1517996 (VCV001517996.8), dbSNP rs949655717, ClinGen allele CA16032051.

ClinVar aggregate classification (germline): Uncertain significance (1 of 4 stars; one submission).

Conditions:
Familial adenomatous polyposis 1 (FAP1). Also called: FAMILIAL ADENOMATOUS POLYPOSIS 1, ATTENUATED; POLYPOSIS, ADENOMATOUS INTESTINAL. Identifiers: MedGen C2713442, MONDO:0021056, OMIM 175100. Disease mechanism: loss of function.

Submission:

Labcorp Genetics (formerly Invitae), Labcorp
Classification: Uncertain significance for Familial adenomatous polyposis 1. Last evaluated: 2021-01-19. Review status: criteria provided, single submitter. Criteria: Invitae Variant Classification Sherloc (09022015). Collection method: clinical testing. Allele origin: germline.
Comment: Algorithms developed to predict the effect of missense changes on protein structure and function (SIFT, PolyPhen-2, Align-GVGD) all suggest that this variant is likely to be tolerated, but these predictions have not been confirmed by published functional studies and their clinical significance is uncertain. In summary, the available evidence is currently insufficient to determine the role of this variant in disease. Therefore, it has been classified as a Variant of Uncertain Significance. This variant has not been reported in the literature in individuals with APC-related conditions. This variant is not present in population databases (ExAC no frequency). This sequence change replaces serine with asparagine at codon 1631 of the APC protein (p.Ser1631Asn). The serine residue is moderately conserved and there is a small physicochemical difference between serine and asparagine.